The following is an entry in ClinVar:

ClinVar aggregate classification (germline): Uncertain significance (1 of 4 stars; one submission).

Conditions:
Hereditary cancer-predisposing syndrome. Also called: Hereditary Cancer Syndrome; Hereditary neoplastic syndrome; Neoplastic Syndromes, Hereditary; Tumor predisposition. Identifiers: Orphanet 140162, MedGen C0027672, MeSH D009386, MONDO:0015356.

Submission:

Ambry Genetics
Classification: Uncertain significance for Hereditary cancer-predisposing syndrome. Last evaluated: 2024-10-08. Review status: criteria provided, single submitter. Criteria: Ambry Variant Classification Scheme 2023. Collection method: clinical testing. Allele origin: germline.
Comment: The c.-5G>A variant is located in the 5' untranslated region (5&rsquo; UTR) of the BLM gene. This variant results from a G to A substitution 5 bases upstream from the first translated codon. This nucleotide position is highly conserved in available vertebrate species. Based on the available evidence, the clinical significance of this variant remains unclear.

NM_000057.4(BLM):c.-5G>A

Gene: BLM (BLM RecQ like helicase; plus strand). Cytogenetic location: 15q26.1.
Variant type: single nucleotide variant.
Coding change: c.-5G>A on transcript NM_000057.4 (MANE Select); 5 bases upstream of the start codon, G replaced by A.
Molecular consequence: 5 prime UTR variant.
Genome position (GRCh38, 1-based): chr15:90,717,440, G>A. VCF-style: chr15-90717440-G-A. GRCh37 (hg19) VCF-style: chr15-91260671-G-A.
Other names: c.-115G>A (NM_001287246.2); c.-5G>A (NM_001287247.2); c.-1296G>A (NM_001287248.2).
Identifiers: ClinVar variation 1751005 (VCV001751005.3), dbSNP rs2505319311, ClinGen allele CA2580090233.